The following is an entry in ClinVar:

NM_002386.4(MC1R):c.367A>G (p.Ile123Val)

Gene: MC1R (melanocortin 1 receptor; plus strand). Cytogenetic location: 16q24.3.
Variant type: single nucleotide variant.
Coding change: c.367A>G on transcript NM_002386.4 (MANE Select); coding-DNA position 367, A replaced by G.
Protein change: p.Ile123Val; replaces isoleucine 123 with valine.
Molecular consequence: missense variant.
Genome position (GRCh38, 1-based): chr16:89,919,625, A>G. VCF-style: chr16-89919625-A-G. GRCh37 (hg19) VCF-style: chr16-89986033-A-G.
Other names: short protein forms I123V.
Identifiers: ClinVar variation 4104873 (VCV004104873.1).
Genomic context (GRCh38, chr16:89,919,625, plus strand): 5'-GCCGGTGCACTGGTGGCCCGGGCTGCGGTGCTGCAGCAGCTGGACAATGTCATTGACGTG[A>G]TCACCTGCAGCTCCATGCTGTCCAGCCTCTGCTTCCTGGGCGCCATCGCCGTGGACCGCT-3'
Protein context (NP_002377.4, residues 113-133): LQQLDNVIDV[Ile123Val]TCSSMLSSLC

ClinVar aggregate classification (germline): Uncertain significance (1 of 4 stars; one submission).

Submission:

Ambry Genetics
Classification: Uncertain significance. Last evaluated: 2025-08-14. Review status: criteria provided, single submitter. Criteria: Ambry Variant Classification Scheme 2023. Collection method: clinical testing. Allele origin: germline.
Comment: The p.I123V variant (also known as c.367A>G), located in coding exon 1 of the MC1R gene, results from an A to G substitution at nucleotide position 367. The isoleucine at codon 123 is replaced by valine, an amino acid with highly similar properties. This amino acid position is conserved. In addition, this alteration is predicted to be tolerated by in silico analysis. Based on the available evidence, the clinical significance of this variant remains unclear.